The following is an entry in ClinVar:

ClinVar aggregate classification (germline): Likely benign (1 of 4 stars; one submission).

gnomAD v4.1: 10 of 1,614,114 alleles (0.00062%); highest among the groups gnomAD compares: African/African-American, 0.0053%; no homozygotes.

Submission:

CeGaT Center for Human Genetics Tuebingen
Classification: Likely benign. Last evaluated: 2025-08-01. Review status: criteria provided, single submitter. Criteria: CeGaT Center For Human Genetics Tuebingen Variant Classification Criteria Version 2. Collection method: clinical testing. Allele origin: germline. Affected: yes. Observed: 1 variant allele.
Comment: EGR2: BP4, BP7

NM_000399.5(EGR2):c.1194C>T (p.Phe398=)

Gene: EGR2 (early growth response 2; minus strand). Cytogenetic location: 10q21.3.
Variant type: single nucleotide variant.
Coding change: c.1194C>T on transcript NM_000399.5 (MANE Select); coding-DNA position 1194, C replaced by T.
Protein change: p.Phe398=; no amino-acid change (phenylalanine 398 retained).
Molecular consequence: synonymous variant.
Genome position (GRCh38, 1-based): chr10:62,813,444, G>A on the plus strand (C>T on the coding strand, the complement: EGR2 is on the minus strand). VCF-style: chr10-62813444-G-A. GRCh37 (hg19) VCF-style: chr10-64573204-G-A.
Other names: c.1194C>T, p.Phe398= (NM_001136177.3, NM_001136178.2); c.1044C>T, p.Phe348= (NM_001136179.3, NM_001321037.2); c.1233C>T, p.Phe411= (NM_001410931.1).
Identifiers: ClinVar variation 4083935 (VCV004083935.8).